The following is an entry in ClinVar:

NC_000009.12:g.35657928T>C

Gene: RMRP (RNA component of mitochondrial RNA processing endoribonuclease; minus strand). Cytogenetic location: 9p13.3.
Variant type: single nucleotide variant.
Genome position: GRCh38 VCF-style: chr9-35657928-T-C. GRCh37 (hg19) VCF-style: chr9-35657925-T-C.
Identifiers: ClinVar variation 1675120 (VCV001675120.5), dbSNP rs752723025, ClinGen allele CA464450821.
Genomic context (GRCh38, chr9:35,657,928, plus strand): 5'-TTGGCGGACTTTGGAGTGGGAAGCGGGGAATGTCTACGTGCGTATGCACGTGGCACTCTC[T>C]GCCCGAGGTCCGGGGACTTTCCCCTAGGCGGAAAGGGGAGGAACAGAGTCCTCAGTGTGT-3'

ClinVar aggregate classification (germline): Uncertain significance. Review status: criteria provided, multiple submitters, no conflicts (2 of 4 stars). 2 submissions from 2 submitters: Uncertain significance (2). Last evaluated 2022-04-06.

Conditions:
Anauxetic dysplasia. Identifiers: Orphanet 93347, MedGen C1846796, MONDO:0011773.
Metaphyseal chondrodysplasia, McKusick type (CHH). Also called: Cartilage-Hair Hypoplasia (CHH); Cartilage-hair hypoplasia. Identifiers: Orphanet 175, MedGen C0220748, MONDO:0009595, OMIM 250250.
Metaphyseal dysplasia without hypotrichosis. Also called: CARTILAGE-HAIR HYPOPLASIA VARIANT, SKELETAL MANIFESTATIONS ONLY; CARTILAGE-HAIR HYPOPLASIA-LIKE SKELETAL DYSPLASIA WITHOUT HYPOTRICHOSIS OR IMMUNODEFICIENCY; Metaphyseal Dysplasia without Hypotrichosis (MDWH). Identifiers: MedGen C1834821, MONDO:0009601, OMIM 250460.
Anauxetic dysplasia 1 (ANXD1). Also called: Anauxetic Dysplasia (AD). Identifiers: Orphanet 93347, MedGen C4551965, MONDO:0054560, OMIM 607095.

gnomAD v4.1: 10 of 700,462 alleles (0.0014%); highest among the groups gnomAD compares: African/African-American, 0.0035%; no homozygotes.

Submissions (2):

Labcorp Genetics (formerly Invitae), Labcorp
Classification: Uncertain significance for Anauxetic dysplasia. Last evaluated: 2022-04-06. Review status: criteria provided, single submitter. Criteria: Invitae Variant Classification Sherloc (09022015). Collection method: clinical testing. Allele origin: germline.
Comment: This variant occurs in the RMRP gene, which encodes an RNA molecule that does not result in a protein product. This variant is not present in population databases (gnomAD no frequency). This variant has been observed in individual(s) with RMRP-related conditions (Invitae). In at least one individual the data is consistent with being in trans (on the opposite chromosome) from a pathogenic variant. Experimental studies and prediction algorithms are not available or were not evaluated, and the functional significance of this variant is currently unknown. In summary, the available evidence is currently insufficient to determine the role of this variant in disease. Therefore, it has been classified as a Variant of Uncertain Significance.

Center for Genomics, Ann and Robert H. Lurie Children's Hospital of Chicago
Classification: Uncertain significance for Anauxetic dysplasia 1; Metaphyseal dysplasia without hypotrichosis; Metaphyseal chondrodysplasia, McKusick type. Review status: criteria provided, single submitter. Criteria: ACMG Guidelines, 2015. Collection method: clinical testing. Allele origin: germline.
Comment: This variant has not been reported in the literature but is present in 0.007% (1/15284) of Latino alleles in the Genome Aggregation Database. Evolutionary conservation and computational predictive tools for this variant are limited or unavailable. In summary, data on this variant is insufficient for disease classification. Therefore, the clinical significance of this variant is uncertain.